The following is an entry in ClinVar:

NM_001370466.1(NOD2):c.1309G>A (p.Gly437Arg)

Gene: NOD2 (nucleotide binding oligomerization domain containing 2; plus strand). Cytogenetic location: 16q12.1.
Variant type: single nucleotide variant.
Coding change: c.1309G>A on transcript NM_001370466.1 (MANE Select); coding-DNA position 1309, G replaced by A.
Protein change: p.Gly437Arg; replaces glycine 437 with arginine.
Molecular consequence: missense variant. On other transcripts: non-coding transcript variant (1).
Genome position (GRCh38, 1-based): chr16:50,711,301, G>A. VCF-style: chr16-50711301-G-A. GRCh37 (hg19) VCF-style: chr16-50745212-G-A.
Other names: c.1309G>A, p.Gly437Arg (NM_001293557.2); c.1390G>A, p.Gly464Arg (NM_022162.3); short protein forms G437R, G464R.
Identifiers: ClinVar variation 2416526 (VCV002416526.8), dbSNP rs104895492, ClinGen allele CA8051535.

ClinVar aggregate classification (germline): Uncertain significance. Review status: criteria provided, multiple submitters, no conflicts (2 of 4 stars). 3 submissions from 3 submitters: Uncertain significance (3). Last evaluated 2025-04-30.

Conditions:
Regional enteritis. Also called: Enteritis, Granulomatous. Identifiers: MedGen C0678202, MeSH D003424.
Blau syndrome (BLAUS). Also called: ARTHROCUTANEOUVEAL GRANULOMATOSIS; GRANULOMATOSIS, FAMILIAL JUVENILE SYSTEMIC; GRANULOMATOSIS, FAMILIAL, BLAU TYPE; GRANULOMATOUS INFLAMMATORY ARTHRITIS, DERMATITIS, AND UVEITIS, FAMILIAL; JABS SYNDROME. Identifiers: Orphanet 90340, MedGen C5201146, MONDO:0008523, OMIM 186580.

gnomAD v4.1: 41 of 1,613,548 alleles (0.0025%); highest among the groups gnomAD compares: Non-Finnish European, 0.0031%; no homozygotes.

Submissions (3):

Labcorp Genetics (formerly Invitae), Labcorp
Classification: Uncertain significance for Regional enteritis; Blau syndrome. Last evaluated: 2025-04-30. Review status: criteria provided, single submitter. Criteria: Invitae Variant Classification Sherloc (09022015). Collection method: clinical testing. Allele origin: germline.
Comment: This sequence change replaces glycine, which is neutral and non-polar, with arginine, which is basic and polar, at codon 464 of the NOD2 protein (p.Gly464Arg). This variant is present in population databases (rs104895492, gnomAD 0.004%). This variant has not been reported in the literature in individuals affected with NOD2-related conditions. ClinVar contains an entry for this variant (Variation ID: 2416526). Invitae Evidence Modeling of protein sequence and biophysical properties (such as structural, functional, and spatial information, amino acid conservation, physicochemical variation, residue mobility, and thermodynamic stability) indicates that this missense variant is not expected to disrupt NOD2 protein function with a negative predictive value of 95%. In summary, the available evidence is currently insufficient to determine the role of this variant in disease. Therefore, it has been classified as a Variant of Uncertain Significance.

GeneDx
Classification: Uncertain significance. Last evaluated: 2024-08-23. Review status: criteria provided, single submitter. Criteria: GeneDx Variant Classification Process June 2021. Collection method: clinical testing. Allele origin: germline. Affected: yes.
Comment: Identified in a patient with presumed ocular histoplasmosis syndrome in the published literature, however, additional clinical information and familial segregation studies were not included (PMID: 32707200); In silico analysis indicates that this missense variant does not alter protein structure/function; This variant is associated with the following publications: (PMID: 32707200)

Blueprint Genetics
Classification: Uncertain significance. Last evaluated: 2024-03-12. Review status: criteria provided, single submitter. Criteria: ACMG Guidelines, 2015. Collection method: clinical testing. Allele origin: germline.